The following is an entry in ClinVar:

NM_020975.6(RET):c.1266C>T (p.Ile422=)

Gene: RET (ret proto-oncogene; plus strand). Cytogenetic location: 10q11.21.
Variant type: single nucleotide variant.
Coding change: c.1266C>T on transcript NM_020975.6 (MANE Select); coding-DNA position 1266, C replaced by T.
Protein change: p.Ile422=; no amino-acid change (isoleucine 422 retained).
Molecular consequence: synonymous variant. On other transcripts: intron variant (15).
Genome position (GRCh38, 1-based): chr10:43,111,209, C>T. VCF-style: chr10-43111209-C-T. GRCh37 (hg19) VCF-style: chr10-43606657-C-T.
Other names: c.1266C>T, p.Ile422= (NM_000323.2, NM_001406743.1, NM_001406744.1 and 6 more transcripts); c.504C>T, p.Ile168= (NM_001355216.2); c.1137C>T, p.Ile379= (NM_001406761.1, NM_001406762.1, NM_001406764.1 and 1 more transcripts); c.978C>T, p.Ile326= (NM_001406766.1, NM_001406767.1, NM_001406770.1); c.870C>T, p.Ile290= (NM_001406769.1, NM_001406772.1); c.828C>T, p.Ile276= (NM_001406771.1, NM_001406773.1); c.741C>T, p.Ile247= (NM_001406774.1); c.540C>T, p.Ile180= (NM_001406775.1, NM_001406776.1, NM_001406777.1 and 1 more transcripts); and 5 more.
Identifiers: ClinVar variation 232505 (VCV000232505.16), dbSNP rs759582152, ClinGen allele CA032714.

ClinVar aggregate classification (germline): Likely benign. Review status: criteria provided, multiple submitters, no conflicts (2 of 4 stars). 4 submissions from 4 submitters: Likely benign (3). 1 of the submissions does not count toward it. Last evaluated 2025-12-27.

Conditions:
Multiple endocrine neoplasia, type 2 (MEN2). Identifiers: Orphanet 653, MedGen C4048306, MONDO:0019003. Disease mechanism: gain of function.
RET-related disorder. Also called: RET-related condition; RET-related disease; RET-related disorders.
Hereditary cancer-predisposing syndrome. Also called: Neoplastic Syndromes, Hereditary; Tumor predisposition; Hereditary Cancer Syndrome; Hereditary neoplastic syndrome. Identifiers: Orphanet 140162, MedGen C0027672, MeSH D009386, MONDO:0015356.

Allele frequency attached by ClinVar (database versions not stated): gnomAD 0.00001; gnomAD exomes 0.00002 and 0.00004; TOPMed 0.00002; ExAC 0.00004.
gnomAD v4.1: 27 of 1,613,662 alleles (0.0017%); highest among the groups gnomAD compares: Admixed American, 0.022%; no homozygotes.

Submissions (4):

Labcorp Genetics (formerly Invitae), Labcorp
Classification: Likely benign for Multiple endocrine neoplasia, type 2. Last evaluated: 2025-12-27. Review status: criteria provided, single submitter. Criteria: Invitae Variant Classification Sherloc (09022015). Collection method: clinical testing. Allele origin: germline.

Color Diagnostics, LLC DBA Color Health
Classification: Likely benign for Multiple endocrine neoplasia, type 2. Last evaluated: 2023-11-15. Review status: criteria provided, single submitter. Criteria: ACMG Guidelines, 2015. Collection method: clinical testing. Allele origin: germline.

Ambry Genetics
Classification: Likely benign for Hereditary cancer-predisposing syndrome. Last evaluated: 2015-06-28. Review status: criteria provided, single submitter. Criteria: Ambry Variant Classification Scheme 2023. Collection method: clinical testing. Allele origin: germline.

PreventionGenetics, part of Exact Sciences
Classification: Likely benign for RET-related condition. Last evaluated: 2019-07-31. Review status: no assertion criteria provided. Collection method: clinical testing. Allele origin: germline. Not counted in ClinVar's aggregate classification.
Comment: This variant is classified as likely benign based on ACMG/AMP sequence variant interpretation guidelines (Richards et al. 2015 PMID: 25741868, with internal and published modifications).